The following is an entry in ClinVar:

ClinVar aggregate classification (germline): Uncertain significance (1 of 4 stars; one submission).

Allele frequency attached by ClinVar (database versions not stated): gnomAD exomes below 0.00001; TOPMed below 0.00001; gnomAD 0.00001.
gnomAD v4.1: 4 of 1,587,908 alleles (0.00025%); highest among the groups gnomAD compares: Non-Finnish European, 0.00026%; no homozygotes.

Submission:

CeGaT Center for Human Genetics Tuebingen
Classification: Uncertain significance. Last evaluated: 2023-01-01. Review status: criteria provided, single submitter. Criteria: CeGaT Center For Human Genetics Tuebingen Variant Classification Criteria Version 2. Collection method: clinical testing. Allele origin: germline. Affected: yes. Observed: 1 variant allele.
Comment: DNAJC30: PM2, BP4

NM_032317.3(DNAJC30):c.403C>T (p.Pro135Ser)

Gene: DNAJC30 (DnaJ heat shock protein family (Hsp40) member C30; minus strand). Cytogenetic location: 7q11.23.
Variant type: single nucleotide variant.
Coding change: c.403C>T on transcript NM_032317.3 (MANE Select); coding-DNA position 403, C replaced by T.
Protein change: p.Pro135Ser; replaces proline 135 with serine.
Molecular consequence: missense variant.
Genome position (GRCh38, 1-based): chr7:73,683,021, G>A on the plus strand (C>T on the coding strand, the complement: DNAJC30 is on the minus strand). VCF-style: chr7-73683021-G-A. GRCh37 (hg19) VCF-style: chr7-73097351-G-A.
Other names: short protein forms P135S.
Identifiers: ClinVar variation 2499044 (VCV002499044.28), dbSNP rs1307527767, ClinGen allele CA367826680.